The following is an entry in ClinVar:

ClinVar aggregate classification (germline): Uncertain significance (1 of 4 stars; one submission).

Allele frequency attached by ClinVar (database versions not stated): ExAC 0.00002; gnomAD exomes 0.00002 and 0.00003; TOPMed 0.00004; gnomAD 0.00005 and 0.00006.
gnomAD v4.1: 42 of 1,613,430 alleles (0.0026%); highest among the groups gnomAD compares: Middle Eastern, 0.051%; no homozygotes.

Submission:

Labcorp Genetics (formerly Invitae), Labcorp
Classification: Uncertain significance. Last evaluated: 2022-02-09. Review status: criteria provided, single submitter. Criteria: Invitae Variant Classification Sherloc (09022015). Collection method: clinical testing. Allele origin: germline.
Comment: This sequence change replaces glutamic acid, which is acidic and polar, with lysine, which is basic and polar, at codon 104 of the CYP2R1 protein (p.Glu104Lys). This variant is present in population databases (rs61744571, gnomAD 0.01%). This variant has not been reported in the literature in individuals affected with CYP2R1-related conditions. ClinVar contains an entry for this variant (Variation ID: 960805). Algorithms developed to predict the effect of missense changes on protein structure and function are either unavailable or do not agree on the potential impact of this missense change (SIFT: "Tolerated"; PolyPhen-2: "Possibly Damaging"; Align-GVGD: "Class C0"). In summary, the available evidence is currently insufficient to determine the role of this variant in disease. Therefore, it has been classified as a Variant of Uncertain Significance.

NM_024514.5(CYP2R1):c.310G>A (p.Glu104Lys)

Genes: CYP2R1 (cytochrome P450 family 2 subfamily R member 1; minus strand), PDE3B (phosphodiesterase 3B; plus strand). Cytogenetic location: 11p15.2.
Variant type: single nucleotide variant.
Coding change: c.310G>A on transcript NM_024514.5 (MANE Select); coding-DNA position 310, G replaced by A.
Protein change: p.Glu104Lys; replaces glutamic acid 104 with lysine.
Molecular consequence: missense variant. On other transcripts: 5 prime UTR variant (4).
Genome position (GRCh38, 1-based): chr11:14,885,833, C>T on the plus strand (G>A on the coding strand, the complement: CYP2R1 is on the minus strand). VCF-style: chr11-14885833-C-T. GRCh37 (hg19) VCF-style: chr11-14907379-C-T.
Other names: c.-36G>A (NM_001377214.1, NM_001377215.1, NM_001377216.1 and 1 more transcripts); c.148G>A, p.Glu50Lys (NM_001377217.1); short protein forms E50K, E104K.
Identifiers: ClinVar variation 960805 (VCV000960805.7), dbSNP rs61744571, ClinGen allele CA5896721.